The following is an entry in ClinVar:

NM_024411.5(PDYN):c.695G>A (p.Arg232His)

Genes: PDYN (prodynorphin; minus strand), PDYN-AS1 (PDYN antisense RNA 1; plus strand). Cytogenetic location: 20p13.
Variant type: single nucleotide variant.
Coding change: c.695G>A on transcript NM_024411.5 (MANE Select); coding-DNA position 695, G replaced by A.
Protein change: p.Arg232His; replaces arginine 232 with histidine.
Molecular consequence: missense variant.
Genome position (GRCh38, 1-based): chr20:1,980,393, C>T on the plus strand (G>A on the coding strand, the complement: PDYN is on the minus strand). VCF-style: chr20-1980393-C-T. GRCh37 (hg19) VCF-style: chr20-1961039-C-T.
Other names: c.695G>A, p.Arg232His (NM_001190892.1, NM_001190898.3, NM_001190899.2 and 1 more transcripts); short protein forms R232H.
Identifiers: ClinVar variation 1467524 (VCV001467524.6), dbSNP rs774175877, ClinGen allele CA9730222.

ClinVar aggregate classification (germline): Uncertain significance (1 of 4 stars; one submission).

Allele frequency attached by ClinVar (database versions not stated): gnomAD exomes 0.00001 and 0.00002; TOPMed 0.00001; ExAC 0.00003.
gnomAD v4.1: 3 of 1,614,154 alleles (0.00019%); highest among the groups gnomAD compares: Admixed American, 0.0033%; no homozygotes.

Submission:

Labcorp Genetics (formerly Invitae), Labcorp
Classification: Uncertain significance. Last evaluated: 2023-08-30. Review status: criteria provided, single submitter. Criteria: Invitae Variant Classification Sherloc (09022015). Collection method: clinical testing. Allele origin: germline.
Comment: In summary, the available evidence is currently insufficient to determine the role of this variant in disease. Therefore, it has been classified as a Variant of Uncertain Significance. This sequence change replaces arginine, which is basic and polar, with histidine, which is basic and polar, at codon 232 of the PDYN protein (p.Arg232His). This variant is present in population databases (rs774175877, gnomAD 0.006%). This variant has not been reported in the literature in individuals affected with PDYN-related conditions. ClinVar contains an entry for this variant (Variation ID: 1467524). Advanced modeling of protein sequence and biophysical properties (such as structural, functional, and spatial information, amino acid conservation, physicochemical variation, residue mobility, and thermodynamic stability) performed at Invitae indicates that this missense variant is expected to disrupt PDYN protein function.